The following is an entry in ClinVar:

NM_001384125.1(BLTP1):c.4057C>G (p.Leu1353Val)

Gene: BLTP1 (bridge-like lipid transfer protein family member 1; plus strand). Cytogenetic location: 4q27.
Variant type: single nucleotide variant.
Coding change: c.4057C>G on transcript NM_001384125.1 (MANE Select); coding-DNA position 4057, C replaced by G.
Protein change: p.Leu1353Val; replaces leucine 1353 with valine.
Molecular consequence: missense variant.
Genome position (GRCh38, 1-based): chr4:122,239,739, C>G. VCF-style: chr4-122239739-C-G. GRCh37 (hg19) VCF-style: chr4-123160894-C-G.
Other names: c.4057C>G, p.Leu1353Val (NM_015312.4); short protein forms L1353V.
Identifiers: ClinVar variation 1699722 (VCV001699722.2), dbSNP rs1487633025, ClinGen allele CA358090203.

ClinVar aggregate classification (germline): Uncertain significance (1 of 4 stars; one submission).

Submission:

GeneDx
Classification: Uncertain significance. Last evaluated: 2021-12-02. Review status: criteria provided, single submitter. Criteria: GeneDx Variant Classification Process June 2021. Collection method: clinical testing. Allele origin: germline. Affected: yes.
Comment: Has not been previously published as pathogenic or benign to our knowledge; In silico analysis supports that this missense variant does not alter protein structure/function; Not observed at significant frequency in large population cohorts (gnomAD)